The following is an entry in ClinVar:

NM_016120.4(RLIM):c.443G>T (p.Gly148Val)

Gene: RLIM (ring finger protein, LIM domain interacting; minus strand). Cytogenetic location: Xq13.2.
Variant type: single nucleotide variant.
Coding change: c.443G>T on transcript NM_016120.4 (MANE Select); coding-DNA position 443, G replaced by T.
Protein change: p.Gly148Val; replaces glycine 148 with valine.
Molecular consequence: missense variant.
Genome position (GRCh38, 1-based): chrX:74,592,872, C>A on the plus strand (G>T on the coding strand, the complement: RLIM is on the minus strand). VCF-style: chrX-74592872-C-A. GRCh37 (hg19) VCF-style: chrX-73812707-C-A.
Other names: c.443G>T, p.Gly148Val (NM_183353.3); short protein forms G148V.
Identifiers: ClinVar variation 1687713 (VCV001687713.2), dbSNP rs2147372821, ClinGen allele CA413662354.

ClinVar aggregate classification (germline): Uncertain significance (1 of 4 stars; one submission).

gnomAD v4.1: 1 of 1,211,551 alleles (0.000083%); no homozygotes.

Submission:

GeneDx
Classification: Uncertain significance. Last evaluated: 2022-05-24. Review status: criteria provided, single submitter. Criteria: GeneDx Variant Classification Process June 2021. Collection method: clinical testing. Allele origin: germline. Affected: yes.
Comment: Not observed at significant frequency in large population cohorts (gnomAD); In silico analysis supports that this missense variant has a deleterious effect on protein structure/function; Has not been previously published as pathogenic or benign to our knowledge